The following is an entry in ClinVar:

NM_000179.3(MSH6):c.4002-11_4002-10del

Gene: MSH6 (mutS homolog 6; plus strand). Cytogenetic location: 2p16.3.
Variant type: Deletion.
Coding change: c.4002-11_4002-10del on transcript NM_000179.3 (MANE Select); 11 bases into the intron before coding-DNA position 4002 through 10 bases into the intron before coding-DNA position 4002, 2 bases deleted (TT; older notation c.4002-11_4002-10delTT).
Molecular consequence: intron variant.
Genome position (GRCh38, 1-based): chr2:47,806,768-47,806,769, TT deleted; deleting any 2 consecutive bases within chr2:47,806,752-47,806,769 gives the same sequence; the c. name uses the placement nearest the transcript's 3' end. VCF-style (leftmost placement, unchanged base first): chr2-47806751-CTT-C. GRCh37 (hg19) VCF-style: chr2-48033890-CTT-C.
Other names: c.3096-11_3096-10del (NM_001281493.2, NM_001281494.2); c.3612-11_3612-10del (NM_001281492.2); c.4002-11_4002-10delTT (NM_000179.3).
Identifiers: ClinVar variation 89509 (VCV000089509.13), dbSNP rs59056100, ClinGen allele CA330588.

ClinVar aggregate classification (germline): Conflicting classifications of pathogenicity. Review status: criteria provided, conflicting classifications (1 of 4 stars). 7 submissions from 7 submitters: Uncertain significance (1); Benign (1); Likely benign (3). 2 of the submissions do not count toward it. Last evaluated 2025-03-04.

Conditions:
Breast and/or ovarian cancer. Identifiers: MedGen CN221562.
Lynch syndrome 5 (LYNCH5). Also called: Colorectal cancer, hereditary nonpolyposis, type 5; Hereditary non-polyposis colorectal cancer, type 5. Identifiers: Orphanet 144, MedGen C1833477, MONDO:0013710, OMIM 614350. Disease mechanism: loss of function.

Submissions (7):

Center for Genomic Medicine, Rigshospitalet, Copenhagen University Hospital
Classification: Likely benign. Last evaluated: 2025-03-04. Review status: criteria provided, single submitter. Criteria: ACMG Guidelines, 2015. Collection method: clinical testing. Allele origin: germline.

Quest Diagnostics Nichols Institute San Juan Capistrano
Classification: Likely benign. Last evaluated: 2023-03-06. Review status: criteria provided, single submitter. Criteria: Quest Diagnostics criteria. Collection method: clinical testing. Allele origin: unknown.

CHEO Genetics Diagnostic Laboratory, Children's Hospital of Eastern Ontario
Classification: Benign for Breast and/or ovarian cancer. Last evaluated: 2021-04-22. Review status: criteria provided, single submitter. Criteria: ACMG Guidelines, 2015. Collection method: clinical testing. Allele origin: germline.

Mendelics
Classification: Likely benign for Lynch syndrome 5. Last evaluated: 2019-05-28. Review status: criteria provided, single submitter. Criteria: Mendelics Assertion Criteria 2017. Collection method: clinical testing. Allele origin: unknown.

GeneDx
Classification: Uncertain significance. Last evaluated: 2015-12-02. Review status: criteria provided, single submitter. Criteria: GeneDx Variant Classification (06012015). Collection method: clinical testing. Allele origin: germline. Affected: yes.
Comment: This variant is denoted MSH6 c.4002-13_4002-12delTTinsAA or IVS9-13_IVS9-12delTTinsAA and consists of a deletion and insertion of two nucleotides at the -13 and -12 positions of intron 9 of the MSH6 gene.The normal sequence, with the bases that are deleted in braces and inserted in brackets, is tttt{tt}[aa]ttaa.Multiple in silico models predict this variant to destroy the nearby natural acceptor site, and to possibly cause abnormal gene splicing; however, in the absence of RNA or functional studies, the actual effect of this variant is unknown.MSH6 c.4002-13_4002-12delTTinsAA was not observed in approximately 6,500 individuals of European and African American ancestry in the NHLBI Exome Sequencing Project, suggesting it is not a common benign variant in these populations.This variant has not, to our knowledge, been published in the literature as pathogenic or benign.The nucleotides that are altered are not conserved.Based on currently available information, it is unclear whether MSH6 c.4002-13_4002-12delTTinsAA is pathogenic or benign.We consider it to be a variant of uncertain significance.

Diagnostic Laboratory, Department of Genetics, University Medical Center Groningen
Classification: Benign. Review status: no assertion criteria provided. Collection method: clinical testing. Allele origin: germline. Affected: yes. Study: VKGL Data-share Consensus. Not counted in ClinVar's aggregate classification.

Laboratory of Diagnostic Genome Analysis, Leiden University Medical Center (LUMC)
Classification: Likely benign. Review status: no assertion criteria provided. Collection method: clinical testing. Allele origin: germline. Affected: yes. Study: VKGL Data-share Consensus. Not counted in ClinVar's aggregate classification.